The following is an entry in ClinVar:

NM_177438.3(DICER1):c.2461C>T (p.Arg821Cys)

Gene: DICER1 (dicer 1, ribonuclease III; minus strand). Cytogenetic location: 14q32.13.
Variant type: single nucleotide variant.
Coding change: c.2461C>T on transcript NM_177438.3 (MANE Select); coding-DNA position 2461, C replaced by T.
Protein change: p.Arg821Cys; replaces arginine 821 with cysteine.
Molecular consequence: missense variant.
Genome position (GRCh38, 1-based): chr14:95,108,069, G>A on the plus strand (C>T on the coding strand, the complement: DICER1 is on the minus strand). VCF-style: chr14-95108069-G-A. GRCh37 (hg19) VCF-style: chr14-95574406-G-A.
Other names: NM_177438.3(DICER1):c.2461C>T; p.Arg821Cys; c.2461C>T, p.Arg821Cys (NM_001195573.1, NM_001271282.3, NM_001291628.2 and 1 more transcripts); short protein forms R821C.
Identifiers: ClinVar variation 933019 (VCV000933019.7), dbSNP rs1891611876, ClinGen allele CA390881979.
Genomic context (GRCh38, chr14:95,108,069, plus strand): 5'-GTAGAGACAACATGAAACCAGACTTCTTCAACTCAATGGATATGGTAACCTCTCCAGAGC[G>A]TGTGTACACAGGAAAGTGTGGAATCTTAGCAAAAGGAAATGTAAAGCACCCCTCAAAATT-3'
Protein context (NP_803187.1, residues 811-831): PQIPHFPVYT[Arg821Cys]SGEVTISIEL

ClinVar aggregate classification (germline): Uncertain significance. Review status: reviewed by expert panel (3 of 4 stars). 4 submissions from 4 submitters: Uncertain significance (1). 3 of the submissions do not count toward it. Last evaluated 2025-10-28.

Conditions:
DICER1-related tumor predisposition. Also called: DICER1-related pleuropulmonary blastoma cancer predisposition syndrome; DICER1 syndrome. Identifiers: Orphanet 284343, MedGen C3839822, MONDO:0100216.

Submissions (4):

ClinGen DICER1 and miRNA-Processing Gene Variant Curation Expert Panel, ClinGen
Classification: Uncertain significance for DICER1-related tumor predisposition. Last evaluated: 2025-10-28. Review status: reviewed by expert panel. Criteria: ClinGen DICER1 ACMG Specifications DICER1 V1.4.0. Collection method: curation. Allele origin: germline. Inheritance: Autosomal dominant inheritance.
Comment: The NM_177438.3:c.2461C>T variant in DICER1 is a missense variant predicted to cause substitution of arginine by cysteine at amino acid 821 (p.Arg821Cys). Although this variant has been observed in individuals undergoing genetic sequencing, to our knowledge, this variant has not been reported in individuals with DICER1-related tumor predisposition (PS4 not met; Internal lab contributors). This variant is absent from gnomAD v4.1.0 (PM2_Supporting). The computational predictor REVEL gives a score of 0.747, which is neither above nor below the thresholds predicting a damaging or benign impact on DICER1 function; splice predictors MaxEntScan and SpliceAI indicate no impact on splicing (PP3 and BP4 not met). In summary, this variant meets the criteria to be classified as Uncertain Significance for DICER1-related tumor predisposition based on the ACMG/AMP criteria applied, as specified by the ClinGen DICER1 VCEP: PM2_Supporting. (Bayesian Points: 1; VCEP specifications version 1.4.0; 10/28/2025)

GeneDx
Classification: Uncertain significance. Last evaluated: 2024-07-25. Review status: criteria provided, single submitter. Criteria: GeneDx Variant Classification Process June 2021. Collection method: clinical testing. Allele origin: germline. Affected: yes. Not counted in ClinVar's aggregate classification.
Comment: Not observed at significant frequency in large population cohorts (gnomAD); In silico analysis supports that this missense variant has a deleterious effect on protein structure/function; Has not been previously published as pathogenic or benign germline variant to our knowledge; This variant is associated with the following publications: (PMID: 26033159, 37883719)

Labcorp Genetics (formerly Invitae), Labcorp
Classification: Uncertain significance for DICER1-related tumor predisposition. Last evaluated: 2023-01-03. Review status: criteria provided, single submitter. Criteria: Invitae Variant Classification Sherloc (09022015). Collection method: clinical testing. Allele origin: germline. Not counted in ClinVar's aggregate classification.
Comment: Advanced modeling of protein sequence and biophysical properties (such as structural, functional, and spatial information, amino acid conservation, physicochemical variation, residue mobility, and thermodynamic stability) performed at Invitae indicates that this missense variant is expected to disrupt DICER1 protein function. In summary, the available evidence is currently insufficient to determine the role of this variant in disease. Therefore, it has been classified as a Variant of Uncertain Significance. ClinVar contains an entry for this variant (Variation ID: 933019). This variant has not been reported in the literature in individuals affected with DICER1-related conditions. This variant is not present in population databases (gnomAD no frequency). This sequence change replaces arginine, which is basic and polar, with cysteine, which is neutral and slightly polar, at codon 821 of the DICER1 protein (p.Arg821Cys).

Foulkes Cancer Genetics LDI, Lady Davis Institute for Medical Research
Classification: Likely pathogenic. Last evaluated: 2019-07-01. Review status: criteria provided, single submitter. Criteria: ACMG Guidelines, 2015. Collection method: curation. Allele origin: somatic. Affected: yes. Observed: 1 variant allele. Not counted in ClinVar's aggregate classification.
Comment: ACMG criteria met: PS3, PM2, PP3, BP1

Literature cited by the submitters: PubMed 26033159 (cited by Foulkes Cancer Genetics LDI, Lady Davis Institute for Medical Research).